The following is an entry in ClinVar:

NM_000834.5(GRIN2B):c.2393C>G (p.Thr798Ser)

Gene: GRIN2B (glutamate ionotropic receptor NMDA type subunit 2B; minus strand). Cytogenetic location: 12p13.1.
Variant type: single nucleotide variant.
Coding change: c.2393C>G on transcript NM_000834.5 (MANE Select); coding-DNA position 2393, C replaced by G.
Protein change: p.Thr798Ser; replaces threonine 798 with serine.
Molecular consequence: missense variant.
Genome position (GRCh38, 1-based): chr12:13,567,230, G>C on the plus strand (C>G on the coding strand, the complement: GRIN2B is on the minus strand). VCF-style: chr12-13567230-G-C. GRCh37 (hg19) VCF-style: chr12-13720164-G-C.
Other names: short protein forms T798S.
Identifiers: ClinVar variation 833621 (VCV000833621.11), dbSNP rs1948652982, ClinGen allele CA383996760.

ClinVar aggregate classification (germline): Conflicting classifications of pathogenicity. Review status: criteria provided, conflicting classifications (1 of 4 stars). 2 submissions from 2 submitters: Uncertain significance (1); Likely benign (1). Last evaluated 2022-08-09.

Conditions:
Intellectual developmental disorder, autosomal dominant 6, with or without seizures. Also called: Intellectual disability, autosomal dominant 6; GRIN2B-related developmental delay, intellectual disability and autism spectrum disorder. Identifiers: Orphanet 589547, MedGen C3151411, MONDO:0013509, OMIM 613970.
Developmental and epileptic encephalopathy, 27 (DEE27). Also called: GRIN2B-Related Neurodevelopmental Disorder; Epileptic encephalopathy, early infantile, 27. Identifiers: Orphanet 3451, MedGen C4015316, MONDO:0014505, OMIM 616139.

Submissions (2):

Labcorp Genetics (formerly Invitae), Labcorp
Classification: Likely benign for Developmental and epileptic encephalopathy, 27; Intellectual developmental disorder, autosomal dominant 6, with or without seizures. Last evaluated: 2022-08-09. Review status: criteria provided, single submitter. Criteria: Invitae Variant Classification Sherloc (09022015). Collection method: clinical testing. Allele origin: germline.

GeneDx
Classification: Uncertain significance. Last evaluated: 2019-11-15. Review status: criteria provided, single submitter. Criteria: GeneDx Variant Classification Process June 2021. Collection method: clinical testing. Allele origin: germline. Affected: yes.
Comment: Not observed in large population cohorts (Lek et al., 2016); In silico analysis, which includes protein predictors and evolutionary conservation, supports that this variant does not alter protein structure/function; Has not been previously published as pathogenic or benign to our knowledge